The following is an entry in ClinVar:

ClinVar aggregate classification (germline): Likely benign. Review status: criteria provided, multiple submitters, no conflicts (2 of 4 stars). 2 submissions from 2 submitters: Likely benign (2). Last evaluated 2025-09-08.

Conditions:
Hereditary cancer-predisposing syndrome. Also called: Neoplastic Syndromes, Hereditary; Hereditary neoplastic syndrome; Hereditary Cancer Syndrome; Tumor predisposition. Identifiers: Orphanet 140162, MedGen C0027672, MeSH D009386, MONDO:0015356.
Tuberous sclerosis 2 (TSC2). Identifiers: Orphanet 805, MedGen C1860707, MONDO:0013199, OMIM 613254.

gnomAD v4.1: 4 of 1,605,950 alleles (0.00025%); highest among the groups gnomAD compares: Non-Finnish European, 0.00034%; no homozygotes.

Submissions (2):

Ambry Genetics
Classification: Likely benign for Hereditary cancer-predisposing syndrome. Last evaluated: 2025-09-08. Review status: criteria provided, single submitter. Criteria: Ambry Variant Classification Scheme 2023. Collection method: clinical testing. Allele origin: germline.

Myriad Genetics, Inc.
Classification: Likely benign for Tuberous sclerosis 2. Last evaluated: 2025-05-16. Review status: criteria provided, single submitter. Criteria: Myriad Autosomal Dominant, Autosomal Recessive and X-Linked Classification Criteria (2023). Collection method: clinical testing. Allele origin: unknown.
Comment: This variant is considered likely benign. This variant is intronic and is not expected to impact mRNA splicing.

NM_000548.5(TSC2):c.1947-4G>T

Gene: TSC2 (TSC complex subunit 2; plus strand). Cytogenetic location: 16p13.3.
Variant type: single nucleotide variant.
Coding change: c.1947-4G>T on transcript NM_000548.5 (MANE Select); 4 bases into the intron before coding-DNA position 1947, G replaced by T.
Molecular consequence: intron variant.
Genome position (GRCh38, 1-based): chr16:2,071,780, G>T. VCF-style: chr16-2071780-G-T. GRCh37 (hg19) VCF-style: chr16-2121781-G-T.
Other names: c.1485-4G>T (NM_001406681.1); c.1836-4G>T (NM_001406670.1, NM_001318827.2, NM_001406678.1); c.1347-4G>T (NM_001406682.1, NM_001406684.1, NM_001406685.1 and 6 more transcripts); c.1890-4G>T (NM_001406677.1); c.1800-4G>T (NM_001406675.1, NM_001406676.1, NM_001318829.2 and 1 more transcripts); c.1980-4G>T (NM_001318832.2); c.603-4G>T (NM_001406693.1, NM_001406689.1, NM_001406690.1 and 6 more transcripts); c.2037-4G>T (NM_001406667.1, NM_001406668.1); and 3 more.
Identifiers: ClinVar variation 4071454 (VCV004071454.2).